The following is an entry in ClinVar:

NM_198252.3(GSN):c.371G>A (p.Gly124Glu)

Gene: GSN (gelsolin; plus strand). Cytogenetic location: 9q33.2.
Variant type: single nucleotide variant.
Coding change: c.371G>A on transcript NM_198252.3 (MANE Select); coding-DNA position 371, G replaced by A.
Protein change: p.Gly124Glu; replaces glycine 124 with glutamic acid.
Molecular consequence: missense variant. On other transcripts: 5 prime UTR variant (1).
Genome position (GRCh38, 1-based): chr9:121,310,703, G>A. VCF-style: chr9-121310703-G-A. GRCh37 (hg19) VCF-style: chr9-124072981-G-A.
Other names: c.524G>A, p.Gly175Glu (NM_000177.5); c.371G>A, p.Gly124Glu (NM_001127662.2, NM_001127664.2, NM_001127665.2 and 10 more transcripts); c.479G>A, p.Gly160Glu (NM_001127663.2); c.404G>A, p.Gly135Glu (NM_001127666.2, NM_001127667.2, NM_001353063.2 and 13 more transcripts); c.422G>A, p.Gly141Glu (NM_001258029.2); c.395G>A, p.Gly132Glu (NM_001258030.2); c.443G>A, p.Gly148Glu (NM_001353076.2); c.-284G>A (NM_001353078.2); short protein forms G124E, G132E, G141E, G160E, G175E, G135E, G148E.
Identifiers: ClinVar variation 1941377 (VCV001941377.5), dbSNP rs1211363476, ClinGen allele CA374738695.

ClinVar aggregate classification (germline): Uncertain significance (1 of 4 stars; one submission).

Allele frequency attached by ClinVar (database versions not stated): gnomAD exomes below 0.00001; gnomAD 0.00001; TOPMed 0.00001.
gnomAD v4.1: 3 of 1,614,084 alleles (0.00019%); highest among the groups gnomAD compares: East Asian, 0.0022%; no homozygotes.

Submission:

Labcorp Genetics (formerly Invitae), Labcorp
Classification: Uncertain significance. Last evaluated: 2025-11-02. Review status: criteria provided, single submitter. Criteria: Invitae Variant Classification Sherloc (09022015). Collection method: clinical testing. Allele origin: germline.
Comment: This sequence change replaces glycine, which is neutral and non-polar, with glutamic acid, which is acidic and polar, at codon 175 of the GSN protein (p.Gly175Glu). This variant is not present in population databases (gnomAD no frequency). This variant has not been reported in the literature in individuals affected with GSN-related conditions. ClinVar contains an entry for this variant (Variation ID: 1941377). Invitae Evidence Modeling of protein sequence and biophysical properties (such as structural, functional, and spatial information, amino acid conservation, physicochemical variation, residue mobility, and thermodynamic stability) indicates that this missense variant is expected to disrupt GSN protein function with a positive predictive value of 80%. In summary, the available evidence is currently insufficient to determine the role of this variant in disease. Therefore, it has been classified as a Variant of Uncertain Significance.